The following is an entry in ClinVar:

ClinVar aggregate classification (germline): Uncertain significance (1 of 4 stars; one submission).

Conditions:
Werner syndrome (WRN). Identifiers: Orphanet 902, MedGen C0043119, MONDO:0010196, OMIM 277700.

Allele frequency attached by ClinVar (database versions not stated): gnomAD 0.00001.
gnomAD v4.1: 1 of 1,613,454 alleles (0.000062%); highest among the groups gnomAD compares: Non-Finnish European, 0.000085%; no homozygotes.

Submission:

Labcorp Genetics (formerly Invitae), Labcorp
Classification: Uncertain significance for Werner syndrome. Last evaluated: 2019-03-19. Review status: criteria provided, single submitter. Criteria: Invitae Variant Classification Sherloc (09022015). Collection method: clinical testing. Allele origin: germline.
Comment: In summary, the available evidence is currently insufficient to determine the role of this variant in disease. Therefore, it has been classified as a Variant of Uncertain Significance. Algorithms developed to predict the effect of sequence changes on RNA splicing suggest that this variant may create or strengthen a splice site, but this prediction has not been confirmed by published transcriptional studies. This variant has not been reported in the literature in individuals with WRN-related conditions. This variant is not present in population databases (ExAC no frequency). This sequence change affects codon 943 of the WRN mRNA. It is a 'silent' change, meaning that it does not change the encoded amino acid sequence of the WRN protein.

NM_000553.6(WRN):c.2829G>A (p.Leu943=)

Gene: WRN (WRN RecQ like helicase; plus strand). Cytogenetic location: 8p12.
Variant type: single nucleotide variant.
Coding change: c.2829G>A on transcript NM_000553.6 (MANE Select); coding-DNA position 2829, G replaced by A.
Protein change: p.Leu943=; no amino-acid change (leucine 943 retained).
Molecular consequence: synonymous variant.
Genome position (GRCh38, 1-based): chr8:31,132,368, G>A. VCF-style: chr8-31132368-G-A. GRCh37 (hg19) VCF-style: chr8-30989884-G-A.
Identifiers: ClinVar variation 856835 (VCV000856835.6), dbSNP rs1275133985, ClinGen allele CA460221611.